The following is an entry in ClinVar:

ClinVar aggregate classification (germline): Likely benign. Review status: criteria provided, single submitter (1 of 4 stars). 2 submissions from 2 submitters: Likely benign (1). 1 of the submissions does not count toward it. Last evaluated 2025-12-28.

Conditions:
CPLANE1-related disorder. Also called: CPLANE1-related condition.

Allele frequency attached by ClinVar (database versions not stated): TOPMed 0.00003; gnomAD 0.00007; ESP Exome Variant Server 0.00008; gnomAD exomes 0.00013; ExAC 0.00031; 1000 Genomes Project 0.00080; 1000 Genomes Project 30x 0.00109.
gnomAD v4.1: 203 of 1,612,832 alleles (0.013%); highest among the groups gnomAD compares: South Asian, 0.2%; 2 homozygotes.

Submissions (2):

Labcorp Genetics (formerly Invitae), Labcorp
Classification: Likely benign. Last evaluated: 2025-12-28. Review status: criteria provided, single submitter. Criteria: Invitae Variant Classification Sherloc (09022015). Collection method: clinical testing. Allele origin: germline.

PreventionGenetics, part of Exact Sciences
Classification: Likely benign for CPLANE1-related condition. Last evaluated: 2024-04-08. Review status: no assertion criteria provided. Collection method: clinical testing. Allele origin: germline. Not counted in ClinVar's aggregate classification.
Comment: This variant is classified as likely benign based on ACMG/AMP sequence variant interpretation guidelines (Richards et al. 2015 PMID: 25741868, with internal and published modifications).

NM_001384732.1(CPLANE1):c.5326C>T (p.Arg1776Cys)

Gene: CPLANE1 (ciliogenesis and planar polarity effector complex subunit 1; minus strand). Cytogenetic location: 5p13.2.
Variant type: single nucleotide variant.
Coding change: c.5326C>T on transcript NM_001384732.1 (MANE Select); coding-DNA position 5326, C replaced by T.
Protein change: p.Arg1776Cys; replaces arginine 1776 with cysteine.
Molecular consequence: missense variant.
Genome position (GRCh38, 1-based): chr5:37,182,855, G>A on the plus strand (C>T on the coding strand, the complement: CPLANE1 is on the minus strand). VCF-style: chr5-37182855-G-A. GRCh37 (hg19) VCF-style: chr5-37182957-G-A.
Other names: c.5326C>T, p.Arg1776Cys (NM_023073.4); c.5326C>T (NM_023073.3); short protein forms R1776C.
Identifiers: ClinVar variation 2062454 (VCV002062454.5), dbSNP rs373075185, ClinGen allele CA3238574.
Genomic context (GRCh38, chr5:37,182,855, plus strand): 5'-AATAGGGTTGTTCCAAAAGCCATAATGATGTAAGAATGGCAGCTGTAGAGGTCTTTACAC[G>A]AATTACTGGACTGTACTCAGAGGATGACTCAGTTATACCAGAATCACAGAGTAGCCTTCT-3'
Protein context (NP_001371661.1, residues 1766-1786): ESSSEYSPVI[Arg1776Cys]VKTSTAAILT